The following is an entry in ClinVar:

ClinVar aggregate classification (germline): Uncertain significance. Review status: criteria provided, multiple submitters, no conflicts (2 of 4 stars). 2 submissions from 2 submitters: Uncertain significance (2). Last evaluated 2022-05-03.

Conditions:
Mitochondrial DNA depletion syndrome 9 (MTDPS9). Also called: SUCLG1-Related Mitochondrial DNA Depletion Syndrome, Encephalomyopathic Form with Methylmalonic Aciduria. Identifiers: Orphanet 17, MedGen C3151476, MONDO:0009504, OMIM 245400.

Allele frequency attached by ClinVar (database versions not stated): ExAC 0.00001; gnomAD 0.00001; gnomAD exomes 0.00001 and 0.00002; TOPMed 0.00001.
gnomAD v4.1: 11 of 1,613,744 alleles (0.00068%); highest among the groups gnomAD compares: Non-Finnish European, 0.00093%; no homozygotes.

Submissions (3):

Labcorp Genetics (formerly Invitae), Labcorp
Classification: Uncertain significance for Mitochondrial DNA depletion syndrome 9. Last evaluated: 2022-05-03. Review status: criteria provided, single submitter. Criteria: Invitae Variant Classification Sherloc (09022015). Collection method: clinical testing. Allele origin: germline.
Comment: This sequence change falls in intron 2 of the SUCLG1 gene. It does not directly change the encoded amino acid sequence of the SUCLG1 protein. It affects a nucleotide within the consensus splice site. This variant is present in population databases (rs769207281, gnomAD 0.003%). This variant has not been reported in the literature in individuals affected with SUCLG1-related conditions. ClinVar contains an entry for this variant (Variation ID: 896150). Variants that disrupt the consensus splice site are a relatively common cause of aberrant splicing (PMID: 17576681, 9536098). Algorithms developed to predict the effect of sequence changes on RNA splicing suggest that this variant is not likely to affect RNA splicing. In summary, the available evidence is currently insufficient to determine the role of this variant in disease. Therefore, it has been classified as a Variant of Uncertain Significance.

Illumina Laboratory Services, Illumina
Classification: Uncertain significance for Mitochondrial DNA depletion syndrome 9. Last evaluated: 2017-04-27. Review status: criteria provided, single submitter. Criteria: ICSL Variant Classification Criteria 13 December 2019. Collection method: clinical testing. Allele origin: germline.

Dr. Peter K. Rogan Lab, Western University
No classification provided (evidence only). Condition: Lung cancer. Review status: no classification provided. Collection method: in vitro. Allele origin: not applicable. Functional consequence: retained intron. Not counted in ClinVar's aggregate classification.

Literature cited by the submitters: PubMed 17576681 (cited by Labcorp Genetics (formerly Invitae), Labcorp); PubMed 9536098 (cited by Labcorp Genetics (formerly Invitae), Labcorp).

NM_003849.4(SUCLG1):c.202-3C>T

Gene: SUCLG1 (succinate-CoA ligase GDP/ADP-forming subunit alpha; minus strand). Cytogenetic location: 2p11.2.
Variant type: single nucleotide variant.
Coding change: c.202-3C>T on transcript NM_003849.4 (MANE Select); 3 bases into the intron before coding-DNA position 202, C replaced by T.
Molecular consequence: intron variant.
Genome position (GRCh38, 1-based): chr2:84,443,403, G>A on the plus strand (C>T on the coding strand, the complement: SUCLG1 is on the minus strand). VCF-style: chr2-84443403-G-A. GRCh37 (hg19) VCF-style: chr2-84670527-G-A.
Identifiers: ClinVar variation 896150 (VCV000896150.6), dbSNP rs769207281, ClinGen allele CA1736376.